The following is an entry in ClinVar:

ClinVar aggregate classification (germline): Uncertain significance. Review status: criteria provided, multiple submitters, no conflicts (2 of 4 stars). 3 submissions from 3 submitters: Uncertain significance (2). 1 of the submissions does not count toward it. Last evaluated 2025-07-03.

Conditions:
Dilated cardiomyopathy 1JJ (CMD1JJ). Identifiers: Orphanet 154, MedGen C3808935, MONDO:0014095, OMIM 615235.
Cardiovascular phenotype. Identifiers: MedGen CN230736.

Allele frequency attached by ClinVar (database versions not stated): TOPMed 0.00005.
gnomAD v4.1: 6 of 1,614,030 alleles (0.00037%); highest among the groups gnomAD compares: African/African-American, 0.004%; no homozygotes.

Submissions (3):

Ambry Genetics
Classification: Uncertain significance for Cardiovascular phenotype. Last evaluated: 2025-07-03. Review status: criteria provided, single submitter. Criteria: Ambry Variant Classification Scheme 2023. Collection method: clinical testing. Allele origin: germline.
Comment: The p.R433G variant (also known as c.1297C>G), located in coding exon 10 of the LAMA4 gene, results from a C to G substitution at nucleotide position 1297. The arginine at codon 433 is replaced by glycine, an amino acid with dissimilar properties. This amino acid position is not well conserved in available vertebrate species. In addition, this alteration is predicted to be tolerated by in silico analysis. Since supporting evidence is limited at this time, the clinical significance of this alteration remains unclear.

Labcorp Genetics (formerly Invitae), Labcorp
Classification: Uncertain significance for Dilated cardiomyopathy 1JJ. Last evaluated: 2024-03-26. Review status: criteria provided, single submitter. Criteria: Invitae Variant Classification Sherloc (09022015). Collection method: clinical testing. Allele origin: germline.
Comment: This sequence change replaces arginine, which is basic and polar, with glycine, which is neutral and non-polar, at codon 433 of the LAMA4 protein (p.Arg433Gly). This variant is present in population databases (rs140911762, gnomAD 0.006%). This variant has not been reported in the literature in individuals affected with LAMA4-related conditions. ClinVar contains an entry for this variant (Variation ID: 977336). An algorithm developed to predict the effect of missense changes on protein structure and function (PolyPhen-2) suggests that this variant is likely to be disruptive. In summary, the available evidence is currently insufficient to determine the role of this variant in disease. Therefore, it has been classified as a Variant of Uncertain Significance.

New York Genome Center
Classification: Uncertain significance. Last evaluated: 2020-02-05. Review status: no assertion criteria provided. Collection method: clinical testing. Allele origin: germline. Affected: yes. Observed: 1 heterozygote. Not counted in ClinVar's aggregate classification.

NM_001105206.3(LAMA4):c.1318C>G (p.Arg440Gly)

Gene: LAMA4 (laminin subunit alpha 4; minus strand). Cytogenetic location: 6q21.
Variant type: single nucleotide variant.
Coding change: c.1318C>G on transcript NM_001105206.3 (MANE Select); coding-DNA position 1318, C replaced by G.
Protein change: p.Arg440Gly; replaces arginine 440 with glycine.
Molecular consequence: missense variant.
Genome position (GRCh38, 1-based): chr6:112,175,352, G>C on the plus strand (C>G on the coding strand, the complement: LAMA4 is on the minus strand). VCF-style: chr6-112175352-G-C. GRCh37 (hg19) VCF-style: chr6-112496554-G-C.
Other names: c.1297C>G, p.Arg433Gly (NM_001105207.3, NM_002290.5); short protein forms R433G, R440G.
Identifiers: ClinVar variation 977336 (VCV000977336.10), dbSNP rs140911762, ClinGen allele CA3965812.